The following is an entry in ClinVar:

ClinVar aggregate classification (germline): Uncertain significance. Review status: criteria provided, multiple submitters, no conflicts (2 of 4 stars). 2 submissions from 2 submitters: Uncertain significance (2). Last evaluated 2024-09-22.

Conditions:
Townes syndrome (TBS). Also called: Townes-Brocks syndrome. Identifiers: Orphanet 857, MedGen C0265246, MeSH C536974, MONDO:0007142.
Inborn genetic diseases. Identifiers: MedGen C0950123, MeSH D030342.

Allele frequency attached by ClinVar (database versions not stated): gnomAD exomes below 0.00001; gnomAD 0.00001.
gnomAD v4.1: 3 of 1,613,966 alleles (0.00019%); highest among the groups gnomAD compares: African/African-American, 0.0013%; no homozygotes.

Submissions (2):

Labcorp Genetics (formerly Invitae), Labcorp
Classification: Uncertain significance for Townes syndrome. Last evaluated: 2024-09-22. Review status: criteria provided, single submitter. Criteria: Invitae Variant Classification Sherloc (09022015). Collection method: clinical testing. Allele origin: germline.
Comment: This sequence change replaces leucine, which is neutral and non-polar, with valine, which is neutral and non-polar, at codon 1278 of the SALL1 protein (p.Leu1278Val). This variant is not present in population databases (gnomAD no frequency). This variant has not been reported in the literature in individuals affected with SALL1-related conditions. ClinVar contains an entry for this variant (Variation ID: 2485417). An algorithm developed to predict the effect of missense changes on protein structure and function (PolyPhen-2) suggests that this variant is likely to be tolerated. In summary, the available evidence is currently insufficient to determine the role of this variant in disease. Therefore, it has been classified as a Variant of Uncertain Significance.

Ambry Genetics
Classification: Uncertain significance for Inborn genetic diseases. Last evaluated: 2023-02-15. Review status: criteria provided, single submitter. Criteria: Ambry Variant Classification Scheme 2023. Collection method: clinical testing. Allele origin: germline.

NM_002968.3(SALL1):c.3832C>G (p.Leu1278Val)

Gene: SALL1 (spalt like transcription factor 1; minus strand). Cytogenetic location: 16q12.1.
Variant type: single nucleotide variant.
Coding change: c.3832C>G on transcript NM_002968.3 (MANE Select); coding-DNA position 3832, C replaced by G.
Protein change: p.Leu1278Val; replaces leucine 1278 with valine.
Molecular consequence: missense variant.
Genome position (GRCh38, 1-based): chr16:51,137,255, G>C on the plus strand (C>G on the coding strand, the complement: SALL1 is on the minus strand). VCF-style: chr16-51137255-G-C. GRCh37 (hg19) VCF-style: chr16-51171166-G-C.
Other names: c.3541C>G, p.Leu1181Val (NM_001127892.2); short protein forms L1181V, L1278V.
Identifiers: ClinVar variation 2485417 (VCV002485417.4), dbSNP rs1962320580, ClinGen allele CA395877867.